The following is an entry in ClinVar:

ClinVar aggregate classification (germline): Likely benign. Review status: criteria provided, multiple submitters, no conflicts (2 of 4 stars). 7 submissions from 7 submitters: Likely benign (7). Last evaluated 2025-12-01.

Conditions:
Arrhythmogenic cardiomyopathy with wooly hair and keratoderma. Also called: Dilated cardiomyopathy with woolly hair and keratoderma; Carvajal syndrome; PALMOPLANTAR KERATODERMA WITH LEFT VENTRICULAR CARDIOMYOPATHY AND WOOLLY HAIR; Arrhythmogenic cardiomyopathy with woolly hair and keratoderma. Identifiers: Orphanet 65282, MedGen C1854063, MONDO:0011581, OMIM 605676.
Arrhythmogenic right ventricular dysplasia 8 (ARVD8). Also called: ARRHYTHMOGENIC RIGHT VENTRICULAR DYSPLASIA, FAMILIAL, 8; ARRHYTHMOGENIC RIGHT VENTRICULAR CARDIOMYOPATHY 8; Arrhythmogenic Right Ventricular Dysplasia/Cardiomyopathy 8. Identifiers: MedGen C1843896, MONDO:0011831, OMIM 607450.
Cardiovascular phenotype. Identifiers: MedGen CN230736.
Cardiomyopathy (CMYO). Also called: Cardiomyopathies. Identifiers: Orphanet 167848, MedGen C0878544, MONDO:0004994, HP:0001638. Inheritance: Various modes of inheritance.

Allele frequency attached by ClinVar (database versions not stated): TOPMed 0.00001; gnomAD 0.00003; ESP Exome Variant Server 0.00008.
gnomAD v4.1: 47 of 1,614,184 alleles (0.0029%); highest among the groups gnomAD compares: Middle Eastern, 0.033%; no homozygotes.

Submissions (7):

Labcorp Genetics (formerly Invitae), Labcorp
Classification: Likely benign for Arrhythmogenic cardiomyopathy with wooly hair and keratoderma; Arrhythmogenic right ventricular dysplasia 8. Last evaluated: 2025-12-01. Review status: criteria provided, single submitter. Criteria: Invitae Variant Classification Sherloc (09022015). Collection method: clinical testing. Allele origin: germline.

CeGaT Center for Human Genetics Tuebingen
Classification: Likely benign. Last evaluated: 2025-06-01. Review status: criteria provided, single submitter. Criteria: CeGaT Center For Human Genetics Tuebingen Variant Classification Criteria Version 2. Collection method: clinical testing. Allele origin: germline. Affected: yes. Observed: 1 variant allele.
Comment: DSP: BP4, BP7

Women's Health and Genetics/Laboratory Corporation of America, LabCorp
Classification: Likely benign. Last evaluated: 2024-12-06. Review status: criteria provided, single submitter. Criteria: LabCorp Variant Classification Summary - May 2015. Collection method: clinical testing. Allele origin: germline.

Blueprint Genetics
Classification: Likely benign. Last evaluated: 2023-01-16. Review status: criteria provided, single submitter. Criteria: ACMG Guidelines, 2015. Collection method: clinical testing. Allele origin: germline.

ARUP Laboratories, Molecular Genetics and Genomics, ARUP Laboratories
Classification: Likely benign. Last evaluated: 2021-04-23. Review status: criteria provided, single submitter. Criteria: ARUP Molecular Germline Variant Investigation Process 2021. Collection method: clinical testing. Allele origin: germline.

Ambry Genetics
Classification: Likely benign for Cardiovascular phenotype. Last evaluated: 2021-03-03. Review status: criteria provided, single submitter. Criteria: Ambry Variant Classification Scheme 2023. Collection method: clinical testing. Allele origin: germline.

Color Diagnostics, LLC DBA Color Health
Classification: Likely benign for Cardiomyopathy. Last evaluated: 2019-01-25. Review status: criteria provided, single submitter. Criteria: ACMG Guidelines, 2015. Collection method: clinical testing. Allele origin: germline.

NM_004415.4(DSP):c.3231G>A (p.Ala1077=)

Gene: DSP (desmoplakin; plus strand). Cytogenetic location: 6p24.3.
Variant type: single nucleotide variant.
Coding change: c.3231G>A on transcript NM_004415.4 (MANE Select); coding-DNA position 3231, G replaced by A.
Protein change: p.Ala1077=; no amino-acid change (alanine 1077 retained).
Molecular consequence: synonymous variant.
Genome position (GRCh38, 1-based): chr6:7,579,421, G>A. VCF-style: chr6-7579421-G-A. GRCh37 (hg19) VCF-style: chr6-7579654-G-A.
Other names: c.3231G>A, p.Ala1077= (NM_001008844.3, NM_001319034.2).
Identifiers: ClinVar variation 771297 (VCV000771297.31), dbSNP rs368214030, ClinGen allele CA037504.